The following is an entry in ClinVar:

ClinVar aggregate classification (germline): Uncertain significance (1 of 4 stars; one submission).

Conditions:
Adult-onset autosomal dominant demyelinating leukodystrophy. Identifiers: Orphanet 99027, MedGen C1868512, MONDO:0008215.

Allele frequency attached by ClinVar (database versions not stated): TOPMed below 0.00001; gnomAD 0.00001.
gnomAD v4.1: 3 of 1,613,964 alleles (0.00019%); highest among the groups gnomAD compares: Non-Finnish European, 0.00025%; no homozygotes.

Submission:

Centre for Mendelian Genomics, University Medical Centre Ljubljana
Classification: Uncertain significance for Leukodystrophy, demyelinating, adult-onset, autosomal dominant, typical. Last evaluated: 2019-07-05. Review status: criteria provided, single submitter. Criteria: ACMG Guidelines, 2015. Collection method: clinical testing. Allele origin: unknown. Affected: yes.
Comment: This variant was classified as: Uncertain significance. The available evidence on this variant's pathogenicity is insufficient or conflicting. The following ACMG criteria were applied in classifying this variant: PM2,BP4.

NM_005573.4(LMNB1):c.411A>T (p.Glu137Asp)

Gene: LMNB1 (lamin B1; plus strand). Cytogenetic location: 5q23.2.
Variant type: single nucleotide variant.
Coding change: c.411A>T on transcript NM_005573.4 (MANE Select); coding-DNA position 411, A replaced by T.
Protein change: p.Glu137Asp; replaces glutamic acid 137 with aspartic acid.
Molecular consequence: missense variant. On other transcripts: 5 prime UTR variant (1), non-coding transcript variant (1).
Genome position (GRCh38, 1-based): chr5:126,804,827, A>T. VCF-style: chr5-126804827-A-T. GRCh37 (hg19) VCF-style: chr5-126140519-A-T.
Other names: c.-220A>T (NM_001198557.2); short protein forms E137D.
Identifiers: ClinVar variation 931753 (VCV000931753.3), dbSNP rs1205547665, ClinGen allele CA360716762.